The following is an entry in ClinVar:

NM_001023570.4(IQCB1):c.775C>T (p.Arg259Cys)

Gene: IQCB1 (IQ motif containing B1; minus strand). Cytogenetic location: 3q13.33.
Variant type: single nucleotide variant.
Coding change: c.775C>T on transcript NM_001023570.4 (MANE Select); coding-DNA position 775, C replaced by T.
Protein change: p.Arg259Cys; replaces arginine 259 with cysteine.
Molecular consequence: missense variant. On other transcripts: non-coding transcript variant (1), intron variant (1).
Genome position (GRCh38, 1-based): chr3:121,797,219, G>A on the plus strand (C>T on the coding strand, the complement: IQCB1 is on the minus strand). VCF-style: chr3-121797219-G-A. GRCh37 (hg19) VCF-style: chr3-121516066-G-A.
Other names: c.775C>T, p.Arg259Cys (NM_001319107.2); c.588-7004C>T (NM_001023571.4); short protein forms R259C.
Identifiers: ClinVar variation 500266 (VCV000500266.11), dbSNP rs778777181, ClinGen allele CA2567305.

ClinVar aggregate classification (germline): Conflicting classifications of pathogenicity. Review status: criteria provided, conflicting classifications (1 of 4 stars). 4 submissions from 4 submitters: Likely pathogenic (1); Uncertain significance (1); Benign (1); Likely benign (1). Last evaluated 2025-05-03.

Conditions:
Nephronophthisis. Also called: Juvenile Nephronophthisis. Identifiers: Orphanet 655, MedGen C0687120, MONDO:0019005, HP:0000090.
Bardet-Biedl syndrome (BBS). Identifiers: Orphanet 110, MedGen C0752166, MONDO:0015229.

Allele frequency attached by ClinVar (database versions not stated): gnomAD below 0.00001 and 0.00007; TOPMed 0.00003; gnomAD exomes 0.00029; ExAC 0.00031.
gnomAD v4.1: 207 of 1,547,810 alleles (0.013%); highest among the groups gnomAD compares: South Asian, 0.22%; 6 homozygotes.

Submissions (4):

Labcorp Genetics (formerly Invitae), Labcorp
Classification: Benign for Nephronophthisis. Last evaluated: 2025-05-03. Review status: criteria provided, single submitter. Criteria: Invitae Variant Classification Sherloc (09022015). Collection method: clinical testing. Allele origin: germline.

Blueprint Genetics
Classification: Likely benign. Last evaluated: 2024-09-03. Review status: criteria provided, single submitter. Criteria: ACMG Guidelines, 2015. Collection method: clinical testing. Allele origin: germline.

Eurofins Ntd Llc (ga)
Classification: Uncertain significance. Last evaluated: 2017-03-27. Review status: criteria provided, single submitter. Criteria: EGL Classification Definitions 2015. Collection method: clinical testing. Allele origin: germline. Observed: 1 variant allele, 1 heterozygote.

SN ONGC Dept of Genetics and Molecular biology Vision Research Foundation
Classification: Likely pathogenic for Bardet-Biedl syndrome. Review status: criteria provided, single submitter. Criteria: ACMG Guidelines, 2015. Collection method: research. Allele origin: biparental. Affected: yes. Observed: 1 heterozygote.
Comment: This variant was observed in digenic inheritance with the variant NC_000002.11:g.27676378C>A in one proband and with variant NC_000002.11:g.27676378C>A in another proband.